The following is an entry in ClinVar:

ClinVar aggregate classification (germline): Uncertain significance (1 of 4 stars; one submission).

Submission:

Labcorp Genetics (formerly Invitae), Labcorp
Classification: Uncertain significance. Last evaluated: 2022-08-22. Review status: criteria provided, single submitter. Criteria: Invitae Variant Classification Sherloc (09022015). Collection method: clinical testing. Allele origin: germline.
Comment: This sequence change replaces glutamine, which is neutral and polar, with arginine, which is basic and polar, at codon 712 of the SCYL1 protein (p.Gln712Arg). This variant is not present in population databases (gnomAD no frequency). This variant has not been reported in the literature in individuals affected with SCYL1-related conditions. Algorithms developed to predict the effect of missense changes on protein structure and function (SIFT, PolyPhen-2, Align-GVGD) all suggest that this variant is likely to be tolerated. In summary, the available evidence is currently insufficient to determine the role of this variant in disease. Therefore, it has been classified as a Variant of Uncertain Significance.

NM_020680.4(SCYL1):c.2135A>G (p.Gln712Arg)

Gene: SCYL1 (SCY1 like pseudokinase 1; plus strand). Cytogenetic location: 11q13.1.
Variant type: single nucleotide variant.
Coding change: c.2135A>G on transcript NM_020680.4 (MANE Select); coding-DNA position 2135, A replaced by G.
Protein change: p.Gln712Arg; replaces glutamine 712 with arginine.
Molecular consequence: missense variant.
Genome position (GRCh38, 1-based): chr11:65,538,070, A>G. VCF-style: chr11-65538070-A-G. GRCh37 (hg19) VCF-style: chr11-65305541-A-G.
Other names: c.2084A>G, p.Gln695Arg (NM_001048218.2); c.2132A>G, p.Gln711Arg (NM_001411022.1); short protein forms Q695R, Q711R, Q712R.
Identifiers: ClinVar variation 1965601 (VCV001965601.2), dbSNP rs2496071522, ClinGen allele CA381264887.